The following is an entry in ClinVar:

NM_006922.4(SCN3A):c.3515G>A (p.Gly1172Glu)

Gene: SCN3A (sodium voltage-gated channel alpha subunit 3; minus strand). Cytogenetic location: 2q24.3.
Variant type: single nucleotide variant.
Coding change: c.3515G>A on transcript NM_006922.4 (MANE Select); coding-DNA position 3515, G replaced by A.
Protein change: p.Gly1172Glu; replaces glycine 1172 with glutamic acid.
Molecular consequence: missense variant.
Genome position (GRCh38, 1-based): chr2:165,113,970, C>T on the plus strand (G>A on the coding strand, the complement: SCN3A is on the minus strand). VCF-style: chr2-165113970-C-T. GRCh37 (hg19) VCF-style: chr2-165970480-C-T.
Other names: c.3368G>A, p.Gly1123Glu (NM_001081676.2, NM_001081677.2); short protein forms G1123E, G1172E.
Identifiers: ClinVar variation 851308 (VCV000851308.9), dbSNP rs1686239373, ClinGen allele CA349034441.

ClinVar aggregate classification (germline): Uncertain significance (1 of 4 stars; one submission).

Allele frequency attached by ClinVar (database versions not stated): gnomAD exomes below 0.00001.
gnomAD v4.1: 1 of 1,560,500 alleles (0.000064%); highest among the groups gnomAD compares: South Asian, 0.0012%; no homozygotes.

Submission:

Labcorp Genetics (formerly Invitae), Labcorp
Classification: Uncertain significance. Last evaluated: 2020-09-01. Review status: criteria provided, single submitter. Criteria: Invitae Variant Classification Sherloc (09022015). Collection method: clinical testing. Allele origin: germline.
Comment: This variant has not been reported in the literature in individuals with SCN3A-related conditions. In summary, the available evidence is currently insufficient to determine the role of this variant in disease. Therefore, it has been classified as a Variant of Uncertain Significance. Algorithms developed to predict the effect of sequence changes on RNA splicing suggest that this variant may disrupt the consensus splice site, but this prediction has not been confirmed by published transcriptional studies. Algorithms developed to predict the effect of missense changes on protein structure and function are either unavailable or do not agree on the potential impact of this missense change (SIFT: "Deleterious"; PolyPhen-2: "Possibly Damaging"; Align-GVGD: "Class C0"). This variant is not present in population databases (ExAC no frequency). This sequence change replaces glycine with glutamic acid at codon 1172 of the SCN3A protein (p.Gly1172Glu). The glycine residue is moderately conserved and there is a moderate physicochemical difference between glycine and glutamic acid.